The following is an entry in ClinVar:

ClinVar aggregate classification (germline): Uncertain significance. Review status: criteria provided, multiple submitters, no conflicts (2 of 4 stars). 2 submissions from 2 submitters: Uncertain significance (2). Last evaluated 2024-11-14.

Conditions:
Hereditary cancer-predisposing syndrome. Also called: Hereditary Cancer Syndrome; Tumor predisposition; Hereditary neoplastic syndrome; Neoplastic Syndromes, Hereditary. Identifiers: Orphanet 140162, MedGen C0027672, MeSH D009386, MONDO:0015356.
Familial adenomatous polyposis 1 (FAP1). Also called: POLYPOSIS, ADENOMATOUS INTESTINAL; FAMILIAL ADENOMATOUS POLYPOSIS 1, ATTENUATED. Identifiers: MedGen C2713442, MONDO:0021056, OMIM 175100. Disease mechanism: loss of function.

Submissions (2):

Ambry Genetics
Classification: Uncertain significance for Hereditary cancer-predisposing syndrome. Last evaluated: 2024-11-14. Review status: criteria provided, single submitter. Criteria: Ambry Variant Classification Scheme 2023. Collection method: clinical testing. Allele origin: germline.
Comment: The p.Q223E variant (also known as c.667C>G), located in coding exon 6 of the APC gene, results from a C to G substitution at nucleotide position 667. The glutamine at codon 223 is replaced by glutamic acid, an amino acid with highly similar properties. This amino acid position is conserved. In addition, in silico predictors for this gene do not accurately predict pathogenicity. Based on the available evidence, the clinical significance of this variant remains unclear.

Labcorp Genetics (formerly Invitae), Labcorp
Classification: Uncertain significance for Familial adenomatous polyposis 1. Last evaluated: 2020-01-02. Review status: criteria provided, single submitter. Criteria: Invitae Variant Classification Sherloc (09022015). Collection method: clinical testing. Allele origin: germline.
Comment: This sequence change replaces glutamine with glutamic acid at codon 223 of the APC protein (p.Gln223Glu). The glutamine residue is highly conserved and there is a small physicochemical difference between glutamine and glutamic acid. This variant is not present in population databases (ExAC no frequency). This variant has not been reported in the literature in individuals with APC-related conditions. Algorithms developed to predict the effect of missense changes on protein structure and function are either unavailable or do not agree on the potential impact of this missense change (SIFT: "Deleterious"; PolyPhen-2: "Probably Damaging"; Align-GVGD: "Class C0"). In summary, the available evidence is currently insufficient to determine the role of this variant in disease. Therefore, it has been classified as a Variant of Uncertain Significance.

NM_000038.6(APC):c.667C>G (p.Gln223Glu)

Gene: APC (APC regulator of Wnt signaling pathway; plus strand). Cytogenetic location: 5q22.2.
Variant type: single nucleotide variant.
Coding change: c.667C>G on transcript NM_000038.6 (MANE Select); coding-DNA position 667, C replaced by G.
Protein change: p.Gln223Glu; replaces glutamine 223 with glutamic acid.
Molecular consequence: missense variant. On other transcripts: 5 prime UTR variant (1), intron variant (2).
Genome position (GRCh38, 1-based): chr5:112,792,467, C>G. VCF-style: chr5-112792467-C-G. GRCh37 (hg19) VCF-style: chr5-112128164-C-G.
Other names: c.667C>G, p.Gln223Glu (NM_001127510.3, NM_001354895.2, NM_001354896.2 and 1 more transcripts); c.697C>G, p.Gln233Glu (NM_001354897.2, NM_001354902.2); c.592C>G, p.Gln198Glu (NM_001354898.2, NM_001354904.2); c.490C>G, p.Gln164Glu (NM_001354900.2, NM_001354901.2, NM_001354905.2); c.-369C>G (NM_001354906.2); c.676-8812C>G (NM_001127511.3); c.646-8812C>G (NM_001354899.2); c.667C>G (NM_000038.5); short protein forms Q223E, Q233E, Q164E, Q198E.
Identifiers: ClinVar variation 1045610 (VCV001045610.11), dbSNP rs1554074738, ClinGen allele CA16022793.